The following is an entry in ClinVar:

ClinVar aggregate classification (germline): Pathogenic/Likely pathogenic. Review status: criteria provided, multiple submitters, no conflicts (2 of 4 stars). 7 submissions from 7 submitters: Pathogenic (1); Likely pathogenic (4). 2 of the submissions do not count toward it. Last evaluated 2025-11-20.

Conditions:
Inborn genetic diseases. Identifiers: MedGen C0950123, MeSH D030342.
Spastic paraplegia. Identifiers: MedGen C0037772, HP:0001258.
Hereditary spastic paraplegia 50 (SPG50). Also called: Spastic paraplegia 50, autosomal recessive. Identifiers: Orphanet 280763, MedGen C2752008, MONDO:0013048, OMIM 612936.

Allele frequency attached by ClinVar (database versions not stated): TOPMed below 0.00001; gnomAD 0.00001; gnomAD exomes 0.00001 and 0.00002; ExAC 0.00002.
gnomAD v4.1: 15 of 1,614,028 alleles (0.00093%); highest among the groups gnomAD compares: South Asian, 0.0055%; no homozygotes.

Submissions (7):

Medical Genetics, Karadeniz Technical University
Classification: Likely pathogenic for Hereditary spastic paraplegia 50. Last evaluated: 2025-11-20. Review status: criteria provided, single submitter. Criteria: ACMG Guidelines, 2015. Collection method: clinical testing. Allele origin: biparental. Affected: yes.
Comment: Previously it is reported as disease causing variation several times. AlphaMissense score shows deleterious (Strong) (0.994) effect. It is avery rare variant in gnomAD (v4.1) (15 Alleles of 1,614,028) with no homozygous individuals. Therefore it is classified as likely pathogenic.

GeneDx
Classification: Likely pathogenic. Last evaluated: 2025-11-07. Review status: criteria provided, single submitter. Criteria: GeneDx Variant Classification Process June 2021. Collection method: clinical testing. Allele origin: germline.
Comment: In silico analysis supports that this missense variant has a deleterious effect on protein structure/function; Not observed at significant frequency in large population cohorts (gnomAD); This variant is associated with the following publications: (PMID: 29096665, 36964972, 32979048, 39723768)

3billion
Classification: Likely pathogenic for Hereditary spastic paraplegia 50. Last evaluated: 2025-06-26. Review status: criteria provided, single submitter. Criteria: ACMG Guidelines, 2015. Collection method: clinical testing. Allele origin: germline. Affected: yes.
Comment: The variant is observed at an extremely low frequency in the gnomAD v4.1.0 dataset (total allele frequency: <0.001%). Predicted Consequence/Location: Missense variant. The majority of the known disease-causing variants of this gene are variants expected to result in premature termination of the protein. The same nucleotide change resulting in the same amino acid change has been previously reported as pathogenic/likely pathogenic with strong evidence (ClinVar ID: VCV000210216 /PMID: 29096665 /3billion dataset). The variant has been reported to be in trans with a pathogenic variant as either compound heterozygous or homozygous in at least one similarly affected unrelated individual (PMID: 29096665). A different missense change at the same codon (p.Cys319Tyr) has been reported to be associated with AP4M1-related disorder (ClinVar ID: VCV000383930 /PMID: 32979048). Therefore, this variant is classified as Likely pathogenic according to the recommendation of ACMG/AMP guideline.

Ambry Genetics
Classification: Likely pathogenic for Inborn genetic diseases. Last evaluated: 2025-01-29. Review status: criteria provided, single submitter. Criteria: Ambry Variant Classification Scheme 2023. Collection method: clinical testing. Allele origin: germline.
Comment: The c.955T>C (p.C319R) alteration is located in exon 12 (coding exon 12) of the AP4M1 gene. This alteration results from a T to C substitution at nucleotide position 955, causing the cysteine (C) at amino acid position 319 to be replaced by an arginine (R). Based on data from gnomAD, the C allele has an overall frequency of 0.002% (6/251488) total alleles studied. The highest observed frequency was 0.01% (3/30616) of South Asian alleles. This variant has been identified in conjunction with other variants in this same gene in individuals with features consistent with AP4M1-related spastic paraplegia and segregated with disease in at least one family (Bettencourt, 2017; Brea-Fern&aacute;ndez, 2022; Gorukmez, 2023); in at least one instance, the variants were identified in trans. This amino acid position is highly conserved in available vertebrate species. The in silico prediction for this alteration is inconclusive. Based on the available evidence, this alteration is classified as likely pathogenic.

Labcorp Genetics (formerly Invitae), Labcorp
Classification: Pathogenic for Hereditary spastic paraplegia 50. Last evaluated: 2023-08-10. Review status: criteria provided, single submitter. Criteria: Invitae Variant Classification Sherloc (09022015). Collection method: clinical testing. Allele origin: germline.
Comment: This sequence change replaces cysteine, which is neutral and slightly polar, with arginine, which is basic and polar, at codon 319 of the AP4M1 protein (p.Cys319Arg). This variant is present in population databases (rs754498075, gnomAD 0.01%). This missense change has been observed in individual(s) with hereditary spastic paraplegia (PMID: 29096665, 32979048). In at least one individual the data is consistent with being in trans (on the opposite chromosome) from a pathogenic variant. It has also been observed to segregate with disease in related individuals. ClinVar contains an entry for this variant (Variation ID: 210216). Advanced modeling of protein sequence and biophysical properties (such as structural, functional, and spatial information, amino acid conservation, physicochemical variation, residue mobility, and thermodynamic stability) performed at Invitae indicates that this missense variant is expected to disrupt AP4M1 protein function. For these reasons, this variant has been classified as Pathogenic.

Yale Center for Mendelian Genomics, Yale University
Classification: Likely pathogenic for Spastic paraplegia. Last evaluated: 2020-10-01. Review status: no assertion criteria provided. Collection method: literature only. Allele origin: germline. Affected: yes. Observed: 2 compound heterozygotes. Study: Yale Center for Mendelian Genomics. Not counted in ClinVar's aggregate classification.

Genetic Services Laboratory, University of Chicago
Classification: Uncertain significance. Last evaluated: 2015-06-01. Review status: flagged submission. Criteria: ACMG Guidelines, 2015. Collection method: clinical testing. Allele origin: germline. Not counted in ClinVar's aggregate classification.
ClinVar note: Reason: Older claim that does not account for recent evidence

Literature cited by the submitters: PubMed 29096665 (cited by 4 submitters); PubMed 32979048 (cited by 4 submitters); PubMed 36964972 (cited by Medical Genetics, Karadeniz Technical University and Ambry Genetics); PubMed 35322241 (cited by Ambry Genetics).

NM_004722.4(AP4M1):c.955T>C (p.Cys319Arg)

Gene: AP4M1 (adaptor related protein complex 4 subunit mu 1; plus strand). Cytogenetic location: 7q22.1.
Variant type: single nucleotide variant.
Coding change: c.955T>C on transcript NM_004722.4 (MANE Select); coding-DNA position 955, T replaced by C.
Protein change: p.Cys319Arg; replaces cysteine 319 with arginine.
Molecular consequence: missense variant.
Genome position (GRCh38, 1-based): chr7:100,105,984, T>C. VCF-style: chr7-100105984-T-C. GRCh37 (hg19) VCF-style: chr7-99703607-T-C.
Other names: c.976T>C, p.Cys326Arg (NM_001363671.2); short protein forms C319R, C326R.
Identifiers: ClinVar variation 210216 (VCV000210216.20), dbSNP rs754498075, ClinGen allele CA206534.